The following is an entry in ClinVar:

NM_004656.4(BAP1):c.1750C>T (p.Pro584Ser)

Gene: BAP1 (BRCA1 associated deubiquitinase 1; minus strand). Cytogenetic location: 3p21.1.
Variant type: single nucleotide variant.
Coding change: c.1750C>T on transcript NM_004656.4 (MANE Select); coding-DNA position 1750, C replaced by T.
Protein change: p.Pro584Ser; replaces proline 584 with serine.
Molecular consequence: missense variant.
Genome position (GRCh38, 1-based): chr3:52,403,278, G>A on the plus strand (C>T on the coding strand, the complement: BAP1 is on the minus strand). VCF-style: chr3-52403278-G-A. GRCh37 (hg19) VCF-style: chr3-52437294-G-A.
Other names: c.1696C>T, p.Pro566Ser (NM_001410772.1); short protein forms P566S, P584S.
Identifiers: ClinVar variation 1721780 (VCV001721780.6), dbSNP rs1705027894, ClinGen allele CA353099244.

ClinVar aggregate classification (germline): Uncertain significance (1 of 4 stars; one submission).

Conditions:
BAP1-related tumor predisposition syndrome (TPDS1). Also called: Tumor susceptibility linked to germline BAP1 mutations; COMMON Syndrome; TUMOR PREDISPOSITION SYNDROME 1; BAP1 tumor predisposition syndrome. Identifiers: Orphanet 289539, MedGen C3280492, MONDO:0013692, OMIM 614327.

Submission:

Labcorp Genetics (formerly Invitae), Labcorp
Classification: Uncertain significance for BAP1-related tumor predisposition syndrome. Last evaluated: 2022-10-17. Review status: criteria provided, single submitter. Criteria: Invitae Variant Classification Sherloc (09022015). Collection method: clinical testing. Allele origin: germline.
Comment: This sequence change replaces proline, which is neutral and non-polar, with serine, which is neutral and polar, at codon 584 of the BAP1 protein (p.Pro584Ser). This variant is not present in population databases (gnomAD no frequency). This variant has not been reported in the literature in individuals affected with BAP1-related conditions. Advanced modeling of protein sequence and biophysical properties (such as structural, functional, and spatial information, amino acid conservation, physicochemical variation, residue mobility, and thermodynamic stability) performed at Invitae indicates that this missense variant is not expected to disrupt BAP1 protein function. In summary, the available evidence is currently insufficient to determine the role of this variant in disease. Therefore, it has been classified as a Variant of Uncertain Significance.